The following is an entry in ClinVar:

NM_017934.7(PHIP):c.1656A>T (p.Ile552=)

Gene: PHIP (PHIP subunit of CUL4-Ring ligase complex; minus strand). Cytogenetic location: 6q14.1.
Variant type: single nucleotide variant.
Coding change: c.1656A>T on transcript NM_017934.7 (MANE Select); coding-DNA position 1656, A replaced by T.
Protein change: p.Ile552=; no amino-acid change (isoleucine 552 retained).
Molecular consequence: synonymous variant.
Genome position (GRCh38, 1-based): chr6:79,002,122, T>A on the plus strand (A>T on the coding strand, the complement: PHIP is on the minus strand). VCF-style: chr6-79002122-T-A. GRCh37 (hg19) VCF-style: chr6-79711839-T-A.
Identifiers: ClinVar variation 5000488 (VCV005000488.1).

ClinVar aggregate classification (germline): Likely benign (1 of 4 stars; one submission).

Conditions:
PHIP-related disorder. Also called: PHIP-related disorders; PHIP-related condition.

gnomAD v4.1: 1 of 1,605,180 alleles (0.000062%); highest among the groups gnomAD compares: Non-Finnish European, 0.000085%; no homozygotes.

Submission:

PreventionGenetics, part of Exact Sciences
Classification: Likely benign for PHIP-related condition. Last evaluated: 2026-06-29. Review status: criteria provided, single submitter. Criteria: ACMG Guidelines, 2015. Collection method: clinical testing. Allele origin: germline.
Comment: This variant is classified as likely benign based on ACMG/AMP sequence variant interpretation guidelines (Richards et al. 2015 PMID: 25741868, with internal and published modifications).